The following is an entry in ClinVar:

NM_144973.4(DENND5B):c.1006C>T (p.His336Tyr)

Gene: DENND5B (DENN domain containing 5B; minus strand). Cytogenetic location: 12p11.21.
Variant type: single nucleotide variant.
Coding change: c.1006C>T on transcript NM_144973.4 (MANE Select); coding-DNA position 1006, C replaced by T.
Protein change: p.His336Tyr; replaces histidine 336 with tyrosine.
Molecular consequence: missense variant.
Genome position (GRCh38, 1-based): chr12:31,460,280, G>A on the plus strand (C>T on the coding strand, the complement: DENND5B is on the minus strand). VCF-style: chr12-31460280-G-A. GRCh37 (hg19) VCF-style: chr12-31613214-G-A.
Other names: c.1111C>T, p.His371Tyr (NM_001308339.2); c.1072C>T, p.His358Tyr (NM_001366890.1, NM_001366893.1); c.475C>T, p.His159Tyr (NM_001366891.1); c.1006C>T, p.His336Tyr (NM_001366892.1); short protein forms H159Y, H336Y, H358Y, H371Y.
Identifiers: ClinVar variation 3904919 (VCV003904919.10).

ClinVar aggregate classification (germline): Likely benign (1 of 4 stars; one submission).

Submission:

CeGaT Center for Human Genetics Tuebingen
Classification: Likely benign. Last evaluated: 2026-10-01. Review status: criteria provided, single submitter. Criteria: CeGaT Center For Human Genetics Tuebingen Variant Classification Criteria Version 2. Collection method: clinical testing. Allele origin: germline. Affected: yes. Observed: 5 variant alleles.
Comment: DENND5B: BS1